The following is an entry in ClinVar:

ClinVar aggregate classification (germline): Uncertain significance (1 of 4 stars; one submission).

Submission:

GeneDx
Classification: Uncertain significance. Last evaluated: 2023-03-09. Review status: criteria provided, single submitter. Criteria: GeneDx Variant Classification Process June 2021. Collection method: clinical testing. Allele origin: germline. Affected: yes.
Comment: Not observed at significant frequency in large population cohorts (gnomAD); In silico analysis supports that this missense variant has a deleterious effect on protein structure/function; Has not been previously published as pathogenic or benign to our knowledge

NM_003907.3(EIF2B5):c.1646A>C (p.Asp549Ala)

Gene: EIF2B5 (eukaryotic translation initiation factor 2B subunit epsilon; plus strand). Cytogenetic location: 3q27.1.
Variant type: single nucleotide variant.
Coding change: c.1646A>C on transcript NM_003907.3 (MANE Select); coding-DNA position 1646, A replaced by C.
Protein change: p.Asp549Ala; replaces aspartic acid 549 with alanine.
Molecular consequence: missense variant.
Genome position (GRCh38, 1-based): chr3:184,142,878, A>C. VCF-style: chr3-184142878-A-C. GRCh37 (hg19) VCF-style: chr3-183860666-A-C.
Other names: short protein forms D549A.
Identifiers: ClinVar variation 2579996 (VCV002579996.1), dbSNP rs2473670391, ClinGen allele CA355392063.
Genomic context (GRCh38, chr3:184,142,878, plus strand): 5'-GTGAGCAAAGTATGGATTCTGAGGAGCCGGACAGCCGGGGAGGCTCCCCTCAGATGGATG[A>C]CATCAAAGGTGAGTGGCAGGGGAGAAATGCGCTGGACCAGTTTATTCTCTGCCTGGATCA-3'
Protein context (NP_003898.2, residues 539-559): DSRGGSPQMD[Asp549Ala]IKVFQNEVLG